The following is an entry in ClinVar:

NM_016169.4(SUFU):c.608T>C (p.Val203Ala)

Gene: SUFU (SUFU negative regulator of hedgehog signaling; plus strand). Cytogenetic location: 10q24.32.
Variant type: single nucleotide variant.
Coding change: c.608T>C on transcript NM_016169.4 (MANE Select); coding-DNA position 608, T replaced by C.
Protein change: p.Val203Ala; replaces valine 203 with alanine.
Molecular consequence: missense variant.
Genome position (GRCh38, 1-based): chr10:102,593,646, T>C. VCF-style: chr10-102593646-T-C. GRCh37 (hg19) VCF-style: chr10-104353403-T-C.
Other names: c.608T>C, p.Val203Ala (NM_001178133.2); short protein forms V203A.
Identifiers: ClinVar variation 5030450 (VCV005030450.1).

ClinVar aggregate classification (germline): Uncertain significance (1 of 4 stars; one submission).

Conditions:
Hereditary cancer-predisposing syndrome. Also called: Neoplastic Syndromes, Hereditary; Tumor predisposition; Hereditary neoplastic syndrome; Hereditary Cancer Syndrome. Identifiers: Orphanet 140162, MedGen C0027672, MeSH D009386, MONDO:0015356.

Submission:

Ambry Genetics
Classification: Uncertain significance for Hereditary cancer-predisposing syndrome. Last evaluated: 2026-08-21. Review status: criteria provided, single submitter. Criteria: Ambry Variant Classification Scheme 2023. Collection method: clinical testing. Allele origin: germline.
Comment: The p.V203A variant (also known as c.608T>C), located in coding exon 5 of the SUFU gene, results from a T to C substitution at nucleotide position 608. The valine at codon 203 is replaced by alanine, an amino acid with similar properties. This amino acid position is conserved. In addition, this alteration is predicted to be deleterious by in silico analysis. Based on the available evidence, the clinical significance of this variant remains unclear.